The following is an entry in ClinVar:

NM_001384732.1(CPLANE1):c.8471del (p.Phe2823_Leu2824insTer)

Gene: CPLANE1 (ciliogenesis and planar polarity effector complex subunit 1; minus strand). Cytogenetic location: 5p13.2.
Variant type: Deletion.
Coding change: c.8471del on transcript NM_001384732.1 (MANE Select); coding-DNA position 8471, one base deleted (T; older notation c.8471delT).
Protein change: p.Phe2823_Leu2824insTer.
Molecular consequence: nonsense.
Genome position (GRCh38, 1-based): chr5:37,142,471, A deleted on the plus strand (T on the coding strand, the reverse complement: CPLANE1 is on the minus strand); the first of 6 consecutive A bases (chr5:37,142,471-37,142,476); deleting any one gives the same sequence. VCF-style (leftmost placement, unchanged base first): chr5-37142470-CA-C. GRCh37 (hg19) VCF-style: chr5-37142572-CA-C.
Other names: c.8309del, p.Phe2769_Leu2770insTer (NM_023073.4).
Identifiers: ClinVar variation 1704596 (VCV001704596.1), dbSNP rs1433509643, ClinGen allele CA559019290.

ClinVar aggregate classification (germline): Likely pathogenic (1 of 4 stars; one submission).

Conditions:
Joubert syndrome and related disorders. Identifiers: Orphanet 140874, MedGen C5679612, MONDO:0015369.

Submission:

Women's Health and Genetics/Laboratory Corporation of America, LabCorp
Classification: Likely pathogenic for Joubert syndrome and related disorders. Last evaluated: 2022-07-15. Review status: criteria provided, single submitter. Criteria: LabCorp Variant Classification Summary - May 2015. Collection method: clinical testing. Allele origin: germline.
Comment: Variant summary: CPLANE1 c.8309delT (p.Leu2770X) results in a premature termination codon, predicted to cause a truncation of the encoded protein or absence of the protein due to nonsense mediated decay, which are commonly known mechanisms for disease. Truncations downstream of this position have been associated with Joubert Syndrome in HGMD. To our knowledge, no occurrence of c.8309delT in individuals affected with Joubert Syndrome And Related Disorders and no experimental evidence demonstrating its impact on protein function have been reported. No clinical diagnostic laboratories have submitted clinical-significance assessments for this variant to ClinVar after 2014. Based on the evidence outlined above, the variant was classified as likely pathogenic.